The following is an entry in ClinVar:

NM_001440.4(EXTL3):c.35C>T (p.Ala12Val)

Gene: EXTL3 (exostosin like glycosyltransferase 3; plus strand). Cytogenetic location: 8p21.1.
Variant type: single nucleotide variant.
Coding change: c.35C>T on transcript NM_001440.4 (MANE Select); coding-DNA position 35, C replaced by T.
Protein change: p.Ala12Val; replaces alanine 12 with valine.
Molecular consequence: missense variant.
Genome position (GRCh38, 1-based): chr8:28,716,094, C>T. VCF-style: chr8-28716094-C-T. GRCh37 (hg19) VCF-style: chr8-28573611-C-T.
Other names: short protein forms A12V.
Identifiers: ClinVar variation 1986251 (VCV001986251.1), dbSNP rs560537560, ClinGen allele CA4695916.

ClinVar aggregate classification (germline): Uncertain significance (1 of 4 stars; one submission).

Allele frequency attached by ClinVar (database versions not stated): gnomAD exomes below 0.00001; ExAC 0.00001; gnomAD 0.00001; TOPMed 0.00001; 1000 Genomes Project 30x 0.00016; 1000 Genomes Project 0.00020.
gnomAD v4.1: 7 of 1,611,596 alleles (0.00043%); highest among the groups gnomAD compares: South Asian, 0.0022%; no homozygotes.

Submission:

Labcorp Genetics (formerly Invitae), Labcorp
Classification: Uncertain significance. Last evaluated: 2022-05-22. Review status: criteria provided, single submitter. Criteria: Invitae Variant Classification Sherloc (09022015). Collection method: clinical testing. Allele origin: germline.
Comment: This sequence change replaces alanine, which is neutral and non-polar, with valine, which is neutral and non-polar, at codon 12 of the EXTL3 protein (p.Ala12Val). The frequency data for this variant in the population databases is considered unreliable, as metrics indicate poor data quality at this position in the gnomAD database. This variant has not been reported in the literature in individuals affected with EXTL3-related conditions. Algorithms developed to predict the effect of missense changes on protein structure and function output the following: SIFT: "Tolerated"; PolyPhen-2: "Benign"; Align-GVGD: "Class C0". The valine amino acid residue is found in multiple mammalian species, which suggests that this missense change does not adversely affect protein function. In summary, the available evidence is currently insufficient to determine the role of this variant in disease. Therefore, it has been classified as a Variant of Uncertain Significance.